The following is an entry in ClinVar:

ClinVar aggregate classification (germline): Uncertain significance (1 of 4 stars; one submission).

gnomAD v4.1: 1 of 1,612,560 alleles (0.000062%); highest among the groups gnomAD compares: Non-Finnish European, 0.000085%; no homozygotes.

Submission:

Labcorp Genetics (formerly Invitae), Labcorp
Classification: Uncertain significance. Last evaluated: 2022-02-13. Review status: criteria provided, single submitter. Criteria: Invitae Variant Classification Sherloc (09022015). Collection method: clinical testing. Allele origin: germline.
Comment: This sequence change replaces proline, which is neutral and non-polar, with leucine, which is neutral and non-polar, at codon 373 of the FCHO1 protein (p.Pro373Leu). This variant is not present in population databases (gnomAD no frequency). This variant has not been reported in the literature in individuals affected with FCHO1-related conditions. Algorithms developed to predict the effect of missense changes on protein structure and function output the following: SIFT: "Tolerated"; PolyPhen-2: "Benign"; Align-GVGD: "Class C0". The leucine amino acid residue is found in multiple mammalian species, which suggests that this missense change does not adversely affect protein function. In summary, the available evidence is currently insufficient to determine the role of this variant in disease. Therefore, it has been classified as a Variant of Uncertain Significance.

NM_015122.3(FCHO1):c.1118C>T (p.Pro373Leu)

Gene: FCHO1 (FCH and mu domain containing endocytic adaptor 1; plus strand). Cytogenetic location: 19p13.11.
Variant type: single nucleotide variant.
Coding change: c.1118C>T on transcript NM_015122.3 (MANE Select); coding-DNA position 1118, C replaced by T.
Protein change: p.Pro373Leu; replaces proline 373 with leucine.
Molecular consequence: missense variant. On other transcripts: non-coding transcript variant (36).
Genome position (GRCh38, 1-based): chr19:17,776,097, C>T. VCF-style: chr19-17776097-C-T. GRCh37 (hg19) VCF-style: chr19-17886906-C-T.
Other names: c.1118C>T, p.Pro373Leu (NM_001384391.1, NM_001384392.1, NM_001384393.1 and 25 more transcripts); c.1073C>T, p.Pro358Leu (NM_001384403.1); c.1079C>T, p.Pro360Leu (NM_001384405.1, NM_001384388.1, NM_001384389.1); c.968C>T, p.Pro323Leu (NM_001384406.1, NM_001384407.1, NM_001161359.2 and 3 more transcripts); c.1043C>T, p.Pro348Leu (NM_001384390.1); short protein forms P348L, P323L, P360L, P373L, P358L.
Identifiers: ClinVar variation 1933929 (VCV001933929.5), dbSNP rs2513790963, ClinGen allele CA404751331.
Genomic context (GRCh38, chr19:17,776,097, plus strand): 5'-AGCCCCGCAAGTTCTATGTGCACATCAAGCCTGCCCCGGCCCGGGCTCCAGCCTGCAGCC[C>T]CGAGGCAGCAGCGGCACAGCTCAGGGCCACCGCGGGCAGCCTCATCCTTCCTCCTGGCCC-3'
Protein context (NP_055937.1, residues 363-383): PAPARAPACS[Pro373Leu]EAAAAQLRAT